The following is an entry in ClinVar:

NM_002609.4(PDGFRB):c.2169G>C (p.Gly723=)

Gene: PDGFRB (platelet derived growth factor receptor beta; minus strand). Cytogenetic location: 5q32.
Variant type: single nucleotide variant.
Coding change: c.2169G>C on transcript NM_002609.4 (MANE Select); coding-DNA position 2169, G replaced by C.
Protein change: p.Gly723=; no amino-acid change (glycine 723 retained).
Molecular consequence: synonymous variant.
Genome position (GRCh38, 1-based): chr5:150,123,056, C>G on the plus strand (G>C on the coding strand, the complement: PDGFRB is on the minus strand). VCF-style: chr5-150123056-C-G. GRCh37 (hg19) VCF-style: chr5-149502619-C-G.
Other names: c.1977G>C, p.Gly659= (NM_001355016.2); c.1686G>C, p.Gly562= (NM_001355017.2).
Identifiers: ClinVar variation 5041095 (VCV005041095.1).

ClinVar aggregate classification (germline): Likely benign (1 of 4 stars; one submission).

gnomAD v4.1: 1 of 1,613,066 alleles (0.000062%); highest among the groups gnomAD compares: African/African-American, 0.0013%; no homozygotes.

Submission:

CeGaT Center for Human Genetics Tuebingen
Classification: Likely benign. Last evaluated: 2026-09-01. Review status: criteria provided, single submitter. Criteria: CeGaT Center For Human Genetics Tuebingen Variant Classification Criteria Version 2. Collection method: clinical testing. Allele origin: germline. Affected: yes. Observed: 1 variant allele.
Comment: PDGFRB: BP4, BP7